The following is an entry in ClinVar:

NM_001277115.2(DNAH11):c.8904G>A (p.Trp2968Ter)

Gene: DNAH11 (dynein axonemal heavy chain 11; plus strand). Cytogenetic location: 7p15.3.
Variant type: single nucleotide variant.
Coding change: c.8904G>A on transcript NM_001277115.2 (MANE Select); coding-DNA position 8904, G replaced by A.
Protein change: p.Trp2968Ter; replaces tryptophan 2968 with a stop codon.
Molecular consequence: nonsense.
Genome position (GRCh38, 1-based): chr7:21,750,328, G>A. VCF-style: chr7-21750328-G-A. GRCh37 (hg19) VCF-style: chr7-21789946-G-A.
Other names: c.8925G>A, p.Trp2975Ter (NM_003777.3); short protein forms W2968*, W2975*.
Identifiers: ClinVar variation 2846850 (VCV002846850.3), dbSNP rs1426204968, ClinGen allele CA366956407.

ClinVar aggregate classification (germline): Pathogenic (1 of 4 stars; one submission).

Conditions:
Primary ciliary dyskinesia. Also called: Ciliary dyskinesia. Identifiers: Orphanet 244, MedGen C0008780, MONDO:0016575, HP:0012265.

Submission:

Labcorp Genetics (formerly Invitae), Labcorp
Classification: Pathogenic for Primary ciliary dyskinesia. Last evaluated: 2023-08-21. Review status: criteria provided, single submitter. Criteria: Invitae Variant Classification Sherloc (09022015). Collection method: clinical testing. Allele origin: germline.
Comment: This sequence change creates a premature translational stop signal (p.Trp2968*) in the DNAH11 gene. It is expected to result in an absent or disrupted protein product. Loss-of-function variants in DNAH11 are known to be pathogenic (PMID: 18022865, 20513915, 22184204). For these reasons, this variant has been classified as Pathogenic. This variant has not been reported in the literature in individuals affected with DNAH11-related conditions. This variant is not present in population databases (gnomAD no frequency).

Literature cited by the submitters: PubMed 18022865; PubMed 20513915; PubMed 22184204.